The following is an entry in ClinVar:

NM_004369.4(COL6A3):c.6075C>T (p.Ala2025=)

Gene: COL6A3 (collagen type VI alpha 3 chain; minus strand). Cytogenetic location: 2q37.3.
Variant type: single nucleotide variant.
Coding change: c.6075C>T on transcript NM_004369.4 (MANE Select); coding-DNA position 6075, C replaced by T.
Protein change: p.Ala2025=; no amino-acid change (alanine 2025 retained).
Molecular consequence: synonymous variant.
Genome position (GRCh38, 1-based): chr2:237,361,820, G>A on the plus strand (C>T on the coding strand, the complement: COL6A3 is on the minus strand). VCF-style: chr2-237361820-G-A. GRCh37 (hg19) VCF-style: chr2-238270463-G-A.
Other names: c.4254C>T, p.Ala1418= (NM_057166.5); c.5457C>T, p.Ala1819= (NM_057167.4).
Identifiers: ClinVar variation 493313 (VCV000493313.50), dbSNP rs375668409, ClinGen allele CA2188468.

ClinVar aggregate classification (germline): Likely benign. Review status: criteria provided, multiple submitters, no conflicts (2 of 4 stars). 2 submissions from 2 submitters: Likely benign (2). Last evaluated 2025-09-01.

Conditions:
Bethlem myopathy 1A. Also called: MYOPATHY, BENIGN CONGENITAL, WITH CONTRACTURES; Bethlem Muscular Dystrophy; Bethlem myopathy 1. Identifiers: Orphanet 610, MedGen CN029274, MONDO:0024530, OMIM 158810.

Allele frequency attached by ClinVar (database versions not stated): ExAC 0.00001; gnomAD 0.00003 and 0.00004; TOPMed 0.00003; gnomAD exomes 0.00004 and 0.00005.
gnomAD v4.1: 70 of 1,613,942 alleles (0.0043%); highest among the groups gnomAD compares: South Asian, 0.033%; no homozygotes.

Submissions (2):

CeGaT Center for Human Genetics Tuebingen
Classification: Likely benign. Last evaluated: 2025-09-01. Review status: criteria provided, single submitter. Criteria: CeGaT Center For Human Genetics Tuebingen Variant Classification Criteria Version 2. Collection method: clinical testing. Allele origin: germline. Affected: yes. Observed: 3 variant alleles.
Comment: COL6A3: BP4, BP7

Labcorp Genetics (formerly Invitae), Labcorp
Classification: Likely benign for Bethlem myopathy 1A. Last evaluated: 2025-07-31. Review status: criteria provided, single submitter. Criteria: Invitae Variant Classification Sherloc (09022015). Collection method: clinical testing. Allele origin: germline.